The following is an entry in ClinVar:

NM_005472.5(KCNE3):c.300_301del (p.Ser101fs)

Gene: KCNE3 (potassium voltage-gated channel subfamily E regulatory subunit 3; minus strand). Cytogenetic location: 11q13.4.
Variant type: Microsatellite.
Coding change: c.300_301del on transcript NM_005472.5 (MANE Select); coding-DNA positions 300 to 301, 2 bases deleted (GT; older notation c.300_301delGT).
Protein change: p.Ser101fs; shifts the reading frame from serine 101.
Molecular consequence: frameshift variant.
Genome position (GRCh38, 1-based): chr11:74,457,263-74,457,264, AC deleted on the plus strand (GT on the coding strand, the reverse complement: KCNE3 is on the minus strand); deleting any 2 consecutive bases within chr11:74,457,263-74,457,268 gives the same sequence; the c. name uses the placement nearest the transcript's 3' end. VCF-style (leftmost placement, unchanged base first): chr11-74457262-GAC-G. GRCh37 (hg19) VCF-style: chr11-74168307-GAC-G.
Other names: c.296_297GT[2], p.Ser101Tyrfs (NM_005472.4); c.300_301delGT (NM_005472.4); short protein forms S101fs.
Identifiers: ClinVar variation 4090237 (VCV004090237.1).

ClinVar aggregate classification (germline): Uncertain significance (1 of 4 stars; one submission).

Conditions:
Cardiovascular phenotype. Identifiers: MedGen CN230736.

Submission:

Ambry Genetics
Classification: Uncertain significance for Cardiovascular phenotype. Last evaluated: 2025-07-24. Review status: criteria provided, single submitter. Criteria: Ambry Variant Classification Scheme 2023. Collection method: clinical testing. Allele origin: germline.
Comment: The c.300_301delGT variant, located in coding exon 1 of the KCNE3 gene, results from a deletion of two nucleotides at nucleotide positions 300 to 301, causing a translational frameshift with a predicted alternate stop codon (p.S101Yfs*46). The evidence for this gene-disease relationship is limited; therefore, the clinical significance of this alteration is unclear.